The following is an entry in ClinVar:

ClinVar aggregate classification (germline): Uncertain significance (1 of 4 stars; one submission).

Allele frequency attached by ClinVar (database versions not stated): gnomAD exomes below 0.00001; TOPMed below 0.00001.

Submission:

Labcorp Genetics (formerly Invitae), Labcorp
Classification: Uncertain significance. Last evaluated: 2022-12-22. Review status: criteria provided, single submitter. Criteria: Invitae Variant Classification Sherloc (09022015). Collection method: clinical testing. Allele origin: germline.
Comment: In summary, the available evidence is currently insufficient to determine the role of this variant in disease. Therefore, it has been classified as a Variant of Uncertain Significance. Experimental studies and prediction algorithms are not available or were not evaluated, and the functional significance of this variant is currently unknown. This variant has not been reported in the literature in individuals affected with TRAP1-related conditions. The frequency data for this variant in the population databases is considered unreliable, as metrics indicate poor data quality at this position in the gnomAD database. This sequence change affects the initiator methionine of the TRAP1 mRNA. The next in-frame methionine is located at codon 141.

NM_016292.3(TRAP1):c.3G>A (p.Met1Ile)

Genes: TRAP1 (TNF receptor associated protein 1; minus strand), LOC130058352 (ATAC-STARR-seq lymphoblastoid silent region 7139; plus strand). Cytogenetic location: 16p13.3.
Variant type: single nucleotide variant.
Coding change: c.3G>A on transcript NM_016292.3 (MANE Select); coding-DNA position 3, G replaced by A.
Protein change: p.Met1Ile; changes the start codon (methionine 1).
Molecular consequence: missense variant, initiator codon variant.
Genome position (GRCh38, 1-based): chr16:3,717,506, C>T on the plus strand (G>A on the coding strand, the complement: TRAP1 is on the minus strand). VCF-style: chr16-3717506-C-T. GRCh37 (hg19) VCF-style: chr16-3767507-C-T.
Other names: c.3G>A, p.Met1Ile (NM_001272049.2); short protein forms M1I.
Identifiers: ClinVar variation 2985801 (VCV002985801.3), dbSNP rs1310455931, ClinGen allele CA394549551.